The following is an entry in ClinVar:

NM_000540.3(RYR1):c.12782A>C (p.Glu4261Ala)

Gene: RYR1 (ryanodine receptor 1; plus strand). Cytogenetic location: 19q13.2.
Variant type: single nucleotide variant.
Coding change: c.12782A>C on transcript NM_000540.3 (MANE Select); coding-DNA position 12782, A replaced by C.
Protein change: p.Glu4261Ala; replaces glutamic acid 4261 with alanine.
Molecular consequence: missense variant.
Genome position (GRCh38, 1-based): chr19:38,565,116, A>C. VCF-style: chr19-38565116-A-C. GRCh37 (hg19) VCF-style: chr19-39055756-A-C.
Other names: c.12767A>C, p.Glu4256Ala (NM_001042723.2); short protein forms E4256A, E4261A.
Identifiers: ClinVar variation 3706805 (VCV003706805.2).

ClinVar aggregate classification (germline): Uncertain significance (1 of 4 stars; one submission).

Conditions:
RYR1-related disorder. Also called: RYR1-related condition; RYR1-related disorders. Identifiers: MedGen CN239331.

gnomAD v4.1: 2 of 1,540,160 alleles (0.00013%); highest among the groups gnomAD compares: African/African-American, 0.0027%; no homozygotes.

Submission:

Labcorp Genetics (formerly Invitae), Labcorp
Classification: Uncertain significance for RYR1-related disorder. Last evaluated: 2025-11-24. Review status: criteria provided, single submitter. Criteria: Invitae Variant Classification Sherloc (09022015). Collection method: clinical testing. Allele origin: germline.
Comment: This sequence change replaces glutamic acid, which is acidic and polar, with alanine, which is neutral and non-polar, at codon 4261 of the RYR1 protein (p.Glu4261Ala). This variant is present in population databases (no rsID available, gnomAD 0.01%). This variant has not been reported in the literature in individuals affected with RYR1-related conditions. ClinVar contains an entry for this variant (Variation ID: 3706805). Invitae Evidence Modeling of protein sequence and biophysical properties (such as structural, functional, and spatial information, amino acid conservation, physicochemical variation, residue mobility, and thermodynamic stability) indicates that this missense variant is not expected to disrupt RYR1 protein function with a negative predictive value of 80%. In summary, the available evidence is currently insufficient to determine the role of this variant in disease. Therefore, it has been classified as a Variant of Uncertain Significance.